The following is an entry in ClinVar:

ClinVar aggregate classification (germline): Uncertain significance. Review status: criteria provided, multiple submitters, no conflicts (2 of 4 stars). 2 submissions from 2 submitters: Uncertain significance (2). Last evaluated 2026-03-23.

Conditions:
Inborn genetic diseases. Identifiers: MedGen C0950123, MeSH D030342.
Baller-Gerold syndrome (BGS). Also called: CRANIOSYNOSTOSIS WITH RADIAL DEFECTS. Identifiers: Orphanet 1225, MedGen C0265308, MONDO:0009039, OMIM 218600.

Submissions (2):

Ambry Genetics
Classification: Uncertain significance for Inborn genetic diseases. Last evaluated: 2026-03-23. Review status: criteria provided, single submitter. Criteria: Ambry Variant Classification Scheme 2023. Collection method: clinical testing. Allele origin: germline.
Comment: The p.R3G variant (also known as c.7C>G), located in coding exon 1 of the RECQL4 gene, results from a C to G substitution at nucleotide position 7. The arginine at codon 3 is replaced by glycine, an amino acid with dissimilar properties. This amino acid position is conserved. In addition, the in silico prediction for this alteration is inconclusive. Based on the available evidence, the clinical significance of this variant remains unclear.

Labcorp Genetics (formerly Invitae), Labcorp
Classification: Uncertain significance for Baller-Gerold syndrome. Last evaluated: 2022-04-07. Review status: criteria provided, single submitter. Criteria: Invitae Variant Classification Sherloc (09022015). Collection method: clinical testing. Allele origin: germline.
Comment: In summary, the available evidence is currently insufficient to determine the role of this variant in disease. Therefore, it has been classified as a Variant of Uncertain Significance. ClinVar contains an entry for this variant (Variation ID: 406919). This variant has not been reported in the literature in individuals affected with RECQL4-related conditions. This variant is not present in population databases (gnomAD no frequency). This sequence change replaces arginine, which is basic and polar, with glycine, which is neutral and non-polar, at codon 3 of the RECQL4 protein (p.Arg3Gly).

NM_004260.4(RECQL4):c.7C>G (p.Arg3Gly)

Genes: RECQL4 (RecQ like helicase 4; minus strand), LOC130001411 (ATAC-STARR-seq lymphoblastoid silent region 19699; plus strand). Cytogenetic location: 8q24.3.
Variant type: single nucleotide variant.
Coding change: c.7C>G on transcript NM_004260.4 (MANE Select); coding-DNA position 7, C replaced by G.
Protein change: p.Arg3Gly; replaces arginine 3 with glycine.
Molecular consequence: missense variant.
Genome position (GRCh38, 1-based): chr8:144,517,778, G>C on the plus strand (C>G on the coding strand, the complement: RECQL4 is on the minus strand). VCF-style: chr8-144517778-G-C. GRCh37 (hg19) VCF-style: chr8-145743162-G-C.
Other names: short protein forms R3G.
Identifiers: ClinVar variation 406919 (VCV000406919.13), dbSNP rs886042531, ClinGen allele CA16612568.